The following is an entry in ClinVar:

NM_080425.4(GNAS):c.245del (p.Asn82fs)

Gene: GNAS (GNAS complex locus; plus strand). Cytogenetic location: 20q13.32.
Variant type: Deletion.
Coding change: c.245del on transcript NM_080425.4 (MANE Plus Clinical); coding-DNA position 245, one base deleted (A; older notation c.245delA).
Protein change: p.Asn82fs; shifts the reading frame from asparagine 82.
Molecular consequence: frameshift variant. On other transcripts: intron variant (3).
Genome position (GRCh38, 1-based): chr20:58,853,510, A deleted; the last of 2 consecutive A bases (chr20:58,853,509-58,853,510); deleting either gives the same sequence. VCF-style (leftmost placement, unchanged base first): chr20-58853508-CA-C. GRCh37 (hg19) VCF-style: chr20-57428563-CA-C.
Other names: c.58del, p.Thr20fs (NM_001077490.3, NM_001309883.1); c.245del, p.Asn82fs (NM_001410913.1); c.*42+12624del (NM_016592.5); c.43+12624del (NM_001410912.1); c.-39+11635del (NM_001309861.2); short protein forms N82fs, T20fs.
Identifiers: ClinVar variation 1722831 (VCV001722831.2), dbSNP rs2516363323, ClinGen allele CA2580098298.
Genomic context (GRCh38, chr20:58,853,508, plus strand): 5'-CGAGAATGATGGCGAGGCCTGTGGACCCCCAGAGGTCTCCAGACCCAACTTTCAGGTCCT[CA>C]ACCCGGCATTCAGGGAAGCTGGAGCCCATGGAAGCTACAGCCCACCTCCTGAGGAAGCAA-3'

ClinVar aggregate classification (germline): Uncertain significance (1 of 4 stars; one submission).

Submission:

GeneDx
Classification: Uncertain significance. Last evaluated: 2022-05-02. Review status: criteria provided, single submitter. Criteria: GeneDx Variant Classification Process June 2021. Collection method: clinical testing. Allele origin: germline. Affected: yes.
Comment: Has not been previously published as pathogenic or benign to our knowledge; Frameshift variant predicted to result in protein truncation, as the last 607 amino acids are replaced with 16 different amino acids, and other loss-of-function variants have been reported downstream in HGMD